The following is an entry in ClinVar:

ClinVar aggregate classification (germline): Conflicting classifications of pathogenicity. Review status: criteria provided, conflicting classifications (1 of 4 stars). 4 submissions from 4 submitters: Pathogenic (2); Likely pathogenic (1); Uncertain significance (1). Last evaluated 2025-11-07.

Conditions:
HYPERHOMOCYSTEINEMIA, THROMBOTIC, CBS-RELATED. Identifiers: MedGen C3150344, OMIM 236200.
Homocystinuria. Identifiers: MedGen C0019880, MONDO:0004737, HP:0002156.
Classic homocystinuria. Also called: Homocystinuria due to Cystathionine Beta-Synthase Deficiency; HOMOCYSTINURIA WITH OR WITHOUT RESPONSE TO PYRIDOXINE; Homocystinuria due to CBS deficiency; Cystathionine beta-synthase deficiency; CBS deficiency. Identifiers: Orphanet 394, MedGen C0751202, MONDO:0009352, OMIM 236200.

Submissions (4):

Myriad Genetics, Inc.
Classification: Uncertain significance for Classic homocystinuria. Last evaluated: 2025-11-07. Review status: criteria provided, single submitter. Criteria: Myriad Autosomal Dominant, Autosomal Recessive and X-Linked Classification Criteria (2023). Collection method: clinical testing. Allele origin: unknown.
Comment: NM_000071.2(CBS):c.456C>G(I152M) is a missense variant classified as a variant of uncertain significance in the context of homocystinuria, CBS-related. I152M has been observed in cases with relevant disease (PMID: 10364517). Relevant functional assessments of this variant are not available in the literature. I152M has not been observed in referenced population frequency databases. In summary, there is insufficient evidence to classify NM_000071.2(CBS):c.456C>G(I152M) as pathogenic or benign. Please note: this variant was assessed in the context of healthy population screening.

Women's Health and Genetics/Laboratory Corporation of America, LabCorp
Classification: Pathogenic for Homocystinuria. Last evaluated: 2025-02-17. Review status: criteria provided, single submitter. Criteria: LabCorp Variant Classification Summary - May 2015. Collection method: clinical testing. Allele origin: germline.
Comment: Variant summary: CBS c.456C>G (p.Ile152Met) results in a conservative amino acid change in the encoded protein sequence. Four of five in-silico tools predict a damaging effect of the variant on protein function. The variant was absent in 162094 control chromosomes. c.456C>G has been reported in the literature in individuals affected with Homocystinuria (e.g., Kluijtmans_1999). These data indicate that the variant is likely to be associated with disease. At least two publications report experimental evidence evaluating an impact on protein function (e.g., Kluijtmans_1999, Mayfield_2012). The most pronounced variant effect results in <10% of normal activity in an E. coli expression system (Kluijtmans_1999). Low activity of protein with this variant was shown to be partially rescued by cofactor supplementation in a yeast assay (Mayfield_2012). ClinVar contains an entry for this variant (Variation ID: 2737001). Based on the evidence outlined above, the variant was classified as pathogenic.

Natera, Inc.
Classification: Likely pathogenic for Homocystinuria due to cystathionine beta-synthase deficiency. Last evaluated: 2024-03-28. Review status: criteria provided, single submitter. Criteria: Natera Variant Classification Schema (03/2026). Collection method: clinical testing. Allele origin: germline.
Comment: The c.456C>G variant in CBS is a missense variant predicted to cause substitution of isoleucine to methionine at amino acid 152. This variant is rare in the general population with a frequency below the threshold expected for the associated phenotype(s). This variant has been observed in one or more individuals affected with the associated recessive disease, as either homozygous or compound heterozygous with a second variant (PMID: 10364517). Functional studies show that this variant may disrupt protein function (PMID: 22267502). Computational prediction algorithms indicate this variant is likely to affect gene or protein function. Given the available evidence, this variant is classified as Likely Pathogenic.

Labcorp Genetics (formerly Invitae), Labcorp
Classification: Pathogenic for HYPERHOMOCYSTEINEMIA, THROMBOTIC, CBS-RELATED. Last evaluated: 2023-06-23. Review status: criteria provided, single submitter. Criteria: Invitae Variant Classification Sherloc (09022015). Collection method: clinical testing. Allele origin: germline.
Comment: This sequence change replaces isoleucine, which is neutral and non-polar, with methionine, which is neutral and non-polar, at codon 152 of the CBS protein (p.Ile152Met). This variant is not present in population databases (gnomAD no frequency). This missense change has been observed in individual(s) with cystathionine beta-synthase (CBS) deficiency (PMID: 10364517). Advanced modeling of protein sequence and biophysical properties (such as structural, functional, and spatial information, amino acid conservation, physicochemical variation, residue mobility, and thermodynamic stability) performed at Invitae indicates that this missense variant is expected to disrupt CBS protein function. Experimental studies have shown that this missense change affects CBS function (PMID: 22267502). For these reasons, this variant has been classified as Pathogenic.

Literature cited by the submitters: PubMed 10364517 (cited by 4 submitters); PubMed 22267502 (cited by 3 submitters).

NM_000071.3(CBS):c.456C>G (p.Ile152Met)

Gene: CBS (cystathionine beta-synthase; minus strand). Cytogenetic location: 21q22.3.
Variant type: single nucleotide variant.
Coding change: c.456C>G on transcript NM_000071.3 (MANE Select); coding-DNA position 456, C replaced by G.
Protein change: p.Ile152Met; replaces isoleucine 152 with methionine.
Molecular consequence: missense variant.
Genome position (GRCh38, 1-based): chr21:43,065,691, G>C on the plus strand (C>G on the coding strand, the complement: CBS is on the minus strand). VCF-style: chr21-43065691-G-C. GRCh37 (hg19) VCF-style: chr21-44485801-G-C.
Other names: c.456C>G, p.Ile152Met (NM_001178008.3, NM_001178009.3, NM_001320298.2); c.141C>G, p.Ile47Met (NM_001321072.1); short protein forms I47M, I152M.
Identifiers: ClinVar variation 2737001 (VCV002737001.6), dbSNP rs769438280, ClinGen allele CA410601527.